The following is an entry in ClinVar:

NM_000321.3(RB1):c.34_74del (p.Thr12fs)

Gene: RB1 (RB transcriptional corepressor 1; plus strand). Cytogenetic location: 13q14.2.
Variant type: Deletion.
Coding change: c.34_74del on transcript NM_000321.3 (MANE Select); coding-DNA positions 34 to 74, 41 bases deleted.
Protein change: p.Thr12fs; shifts the reading frame from threonine 12.
Molecular consequence: frameshift variant.
Genome position (GRCh38, 1-based): chr13:48,303,946-48,303,986, 41 bases deleted; deleting any 41 consecutive bases within chr13:48,303,940-48,303,986 gives the same sequence; the c. name uses the placement nearest the transcript's 3' end. GRCh37 (hg19): chr13:48,878,082-48,878,122.
Other names: c.34_74del, p.Thr12fs (NM_001407165.1, NM_001407166.1, NM_001407167.1); short protein forms T12fs.
Identifiers: ClinVar variation 3236970 (VCV003236970.3), dbSNP rs2542093316.

ClinVar aggregate classification (germline): Pathogenic (1 of 4 stars; one submission).
ClinVar aggregate classification (oncogenicity): Likely oncogenic (1 of 4 stars; one submission).

Conditions:
Retinoblastoma (RB1). Also called: RETINOBLASTOMA, SOMATIC. Identifiers: Orphanet 790, MedGen C0035335, MeSH D012175, MONDO:0008380, OMIM 180200, HP:0009919. Disease mechanism: loss of function. Inheritance: Both sporadic and heritable forms are tested..
Neoplasm. Also called: Neoplasms; Neoplasm (disease); tumor. Identifiers: MedGen C0027651, MeSH D009369, MONDO:0005070, HP:0002664.

Submissions (2):

Center for Genomic Medicine, Rigshospitalet, Copenhagen University Hospital
Classification: Likely oncogenic for Neoplasm. Last evaluated: 2025-03-04. Review status: criteria provided, single submitter. Criteria: ClinGen/CGC/VICC Guidelines for Oncogenicity, 2022. Collection method: clinical testing. Allele origin: somatic. Affected: yes.

Genetic Diagnostic Laboratory, University of Pennsylvania School of Medicine
Classification: Pathogenic for Retinoblastoma. Last evaluated: 2024-05-20. Review status: criteria provided, single submitter. Criteria: ACMG Guidelines, 2015. Collection method: clinical testing. Allele origin: germline. Affected: yes. Observed: 1 variant allele.
Comment: Case and Pedigree Information: BILATERAL CASES:1, UNILATERAL CASES:0, TOTAL CASES:1, PEDIGREES:1. ACMG Codes Applied:PVS1, PM2